The following is an entry in ClinVar:

NM_005506.4(SCARB2):c.1136C>T (p.Ala379Val)

Gene: SCARB2 (scavenger receptor class B member 2; minus strand). Cytogenetic location: 4q21.1.
Variant type: single nucleotide variant.
Coding change: c.1136C>T on transcript NM_005506.4 (MANE Select); coding-DNA position 1136, C replaced by T.
Protein change: p.Ala379Val; replaces alanine 379 with valine.
Molecular consequence: missense variant.
Genome position (GRCh38, 1-based): chr4:76,168,454, G>A on the plus strand (C>T on the coding strand, the complement: SCARB2 is on the minus strand). VCF-style: chr4-76168454-G-A. GRCh37 (hg19) VCF-style: chr4-77089607-G-A.
Other names: c.707C>T, p.Ala236Val (NM_001204255.2); short protein forms A379V, A236V.
Identifiers: ClinVar variation 199108 (VCV000199108.19), dbSNP rs144147706, ClinGen allele CA248124.
Genomic context (GRCh38, chr4:76,168,454, plus strand): 5'-AAAACTTACACAAAGTCATCTAATTTTTTGACATAAATGTTGATTTGGAACCTCTTGGCT[G>A]CTTTTAGGATTATTCCAGTCAACTGCAAATCAGAGAAGTGAAAAGGAAACATTAGGATTT-3'
Protein context (NP_005497.1, residues 369-389): INPLTGIILK[Ala379Val]AKRFQINIYV

ClinVar aggregate classification (germline): Uncertain significance. Review status: criteria provided, multiple submitters, no conflicts (2 of 4 stars). 5 submissions from 5 submitters: Uncertain significance (5). Last evaluated 2025-07-14.

Conditions:
Inborn genetic diseases. Identifiers: MedGen C0950123, MeSH D030342.
Progressive myoclonic epilepsy. Also called: Familial progressive myoclonic epilepsy; Myoclonic Epilepsies, Progressive; Myoclonus epilepsy; Progressive myoclonus epilepsy. Identifiers: Orphanet 308, Orphanet 98261, MedGen C0751778, MONDO:0020074.
Action myoclonus-renal failure syndrome. Also called: MYOCLONUS-NEPHROPATHY SYNDROME; EPILEPSY, PROGRESSIVE MYOCLONIC, 4, WITH RENAL FAILURE; EPILEPSY, PROGRESSIVE MYOCLONIC, 4, WITHOUT RENAL FAILURE; SCARB2-Related Action Myoclonus-Renal Failure Syndrome. Identifiers: Orphanet 163696, MedGen C0751779, MeSH D020191, MONDO:0009699, OMIM 254900.

Allele frequency attached by ClinVar (database versions not stated): ExAC 0.00002; gnomAD exomes 0.00002 and 0.00004; ESP Exome Variant Server 0.00008; gnomAD 0.00016 and 0.00017; TOPMed 0.00016.
gnomAD v4.1: 58 of 1,613,936 alleles (0.0036%); highest among the groups gnomAD compares: African/African-American, 0.075%; no homozygotes.

Submissions (5):

GeneDx
Classification: Uncertain significance. Last evaluated: 2025-07-14. Review status: criteria provided, single submitter. Criteria: GeneDx Variant Classification Process June 2021. Collection method: clinical testing. Allele origin: germline. Affected: yes.
Comment: In silico analysis suggests that this missense variant does not alter protein structure/function; Has not been previously published as pathogenic or benign to our knowledge

Labcorp Genetics (formerly Invitae), Labcorp
Classification: Uncertain significance for Progressive myoclonic epilepsy. Last evaluated: 2024-11-18. Review status: criteria provided, single submitter. Criteria: Invitae Variant Classification Sherloc (09022015). Collection method: clinical testing. Allele origin: germline.
Comment: This sequence change replaces alanine, which is neutral and non-polar, with valine, which is neutral and non-polar, at codon 379 of the SCARB2 protein (p.Ala379Val). This variant is present in population databases (rs144147706, gnomAD 0.05%). This variant has not been reported in the literature in individuals affected with SCARB2-related conditions. ClinVar contains an entry for this variant (Variation ID: 199108). Invitae Evidence Modeling of protein sequence and biophysical properties (such as structural, functional, and spatial information, amino acid conservation, physicochemical variation, residue mobility, and thermodynamic stability) indicates that this missense variant is not expected to disrupt SCARB2 protein function with a negative predictive value of 80%. Algorithms developed to predict the effect of sequence changes on RNA splicing suggest that this variant may disrupt the consensus splice site. In summary, the available evidence is currently insufficient to determine the role of this variant in disease. Therefore, it has been classified as a Variant of Uncertain Significance.

Fulgent Genetics
Classification: Uncertain significance for Action myoclonus-renal failure syndrome. Last evaluated: 2024-05-24. Review status: criteria provided, single submitter. Criteria: ACMG Guidelines, 2015. Collection method: clinical testing. Allele origin: germline.

Ambry Genetics
Classification: Uncertain significance for Inborn genetic diseases. Last evaluated: 2018-03-01. Review status: criteria provided, single submitter. Criteria: Ambry Variant Classification Scheme 2023. Collection method: clinical testing. Allele origin: germline.
Comment: The p.A379V variant (also known as c.1136C>T), located in coding exon 9 of the SCARB2 gene, results from a C to T substitution at nucleotide position 1136. The alanine at codon 379 is replaced by valine, an amino acid with similar properties. This amino acid position is not well conserved in available vertebrate species. In addition, this alteration is predicted to be tolerated by in silico analysis. Since supporting evidence is limited at this time, the clinical significance of this alteration remains unclear.

Eurofins Ntd Llc (ga)
Classification: Uncertain significance. Last evaluated: 2014-10-06. Review status: criteria provided, single submitter. Criteria: EGL Classification Definitions 2015. Collection method: clinical testing. Allele origin: germline. Observed: 1 variant allele, 1 heterozygote.